The following is an entry in ClinVar:

ClinVar aggregate classification (germline): Uncertain significance. Review status: criteria provided, multiple submitters, no conflicts (2 of 4 stars). 2 submissions from 2 submitters: Uncertain significance (2). Last evaluated 2022-12-27.

Conditions:
Warts, hypogammaglobulinemia, infections, and myelokathexis. Also called: WHIM syndrome. Identifiers: MedGen C0472817, MONDO:0023880.

Allele frequency attached by ClinVar (database versions not stated): gnomAD exomes 0.00001; ExAC 0.00002; TOPMed 0.00002.

Submissions (2):

Labcorp Genetics (formerly Invitae), Labcorp
Classification: Uncertain significance for Warts, hypogammaglobulinemia, infections, and myelokathexis. Last evaluated: 2022-12-27. Review status: criteria provided, single submitter. Criteria: Invitae Variant Classification Sherloc (09022015). Collection method: clinical testing. Allele origin: germline.
Comment: Algorithms developed to predict the effect of missense changes on protein structure and function are either unavailable or do not agree on the potential impact of this missense change (SIFT: "Deleterious"; PolyPhen-2: "Probably Damaging"; Align-GVGD: "Class C15"). In summary, the available evidence is currently insufficient to determine the role of this variant in disease. Therefore, it has been classified as a Variant of Uncertain Significance. ClinVar contains an entry for this variant (Variation ID: 1336899). This variant has not been reported in the literature in individuals affected with CXCR4-related conditions. This variant is present in population databases (rs779760942, gnomAD 0.003%). This sequence change replaces phenylalanine, which is neutral and non-polar, with leucine, which is neutral and non-polar, at codon 249 of the CXCR4 protein (p.Phe249Leu).

Genetic Services Laboratory, University of Chicago
Classification: Uncertain significance. Last evaluated: 2018-11-06. Review status: criteria provided, single submitter. Criteria: ACMG Guidelines, 2015. Collection method: clinical testing. Allele origin: germline. Affected: no.

NM_003467.3(CXCR4):c.747C>A (p.Phe249Leu)

Gene: CXCR4 (C-X-C motif chemokine receptor 4; minus strand). Cytogenetic location: 2q22.1.
Variant type: single nucleotide variant.
Coding change: c.747C>A on transcript NM_003467.3 (MANE Select); coding-DNA position 747, C replaced by A.
Protein change: p.Phe249Leu; replaces phenylalanine 249 with leucine.
Molecular consequence: missense variant.
Genome position (GRCh38, 1-based): chr2:136,115,181, G>T on the plus strand (C>A on the coding strand, the complement: CXCR4 is on the minus strand). VCF-style: chr2-136115181-G-T. GRCh37 (hg19) VCF-style: chr2-136872751-G-T.
Other names: c.759C>A, p.Phe253Leu (NM_001008540.2); c.960C>A, p.Phe320Leu (NM_001348056.2); c.846C>A, p.Phe282Leu (NM_001348059.2); c.702C>A, p.Phe234Leu (NM_001348060.2); short protein forms F234L, F249L, F253L, F282L, F320L.
Identifiers: ClinVar variation 1336899 (VCV001336899.7), dbSNP rs779760942, ClinGen allele CA1890079.